The following is an entry in ClinVar:

NM_015631.6(TCTN3):c.1417T>C (p.Trp473Arg)

Gene: TCTN3 (tectonic family member 3; minus strand). Cytogenetic location: 10q24.1.
Variant type: single nucleotide variant.
Coding change: c.1417T>C on transcript NM_015631.6 (MANE Select); coding-DNA position 1417, T replaced by C.
Protein change: p.Trp473Arg; replaces tryptophan 473 with arginine.
Molecular consequence: missense variant.
Genome position (GRCh38, 1-based): chr10:95,682,686, A>G on the plus strand (T>C on the coding strand, the complement: TCTN3 is on the minus strand). VCF-style: chr10-95682686-A-G. GRCh37 (hg19) VCF-style: chr10-97442443-A-G.
Other names: c.973T>C, p.Trp325Arg (NM_001143973.2); short protein forms W325R, W473R.
Identifiers: ClinVar variation 1352588 (VCV001352588.8), dbSNP rs2097944204, ClinGen allele CA377702288.

ClinVar aggregate classification (germline): Uncertain significance (1 of 4 stars; one submission).

Conditions:
Joubert syndrome 18 (JBTS18). Identifiers: Orphanet 2754, MedGen C3553758, MONDO:0013896, OMIM 614815.
Orofacial-digital syndrome IV (OFD4). Also called: BARAITSER-BURN SYNDROME; MOHR-MAJEWSKI SYNDROME; OFD SYNDROME WITH TIBIAL DEFECTS; OFD SYNDROME, BARAITSER-BURN TYPE; OFDS IV; ORAL-FACIAL-DIGITAL SYNDROME, TYPE IV. Identifiers: Orphanet 2753, MedGen C0406727, MONDO:0009794, OMIM 258860.

Allele frequency attached by ClinVar (database versions not stated): gnomAD exomes below 0.00001.
gnomAD v4.1: 1 of 1,613,992 alleles (0.000062%); highest among the groups gnomAD compares: Non-Finnish European, 0.000085%; no homozygotes.

Submission:

Labcorp Genetics (formerly Invitae), Labcorp
Classification: Uncertain significance for Joubert syndrome 18; Orofacial-digital syndrome IV. Last evaluated: 2020-12-01. Review status: criteria provided, single submitter. Criteria: Invitae Variant Classification Sherloc (09022015). Collection method: clinical testing. Allele origin: germline.
Comment: In summary, the available evidence is currently insufficient to determine the role of this variant in disease. Therefore, it has been classified as a Variant of Uncertain Significance. Algorithms developed to predict the effect of missense changes on protein structure and function (SIFT, PolyPhen-2, Align-GVGD) all suggest that this variant is likely to be disruptive, but these predictions have not been confirmed by published functional studies and their clinical significance is uncertain. This variant has not been reported in the literature in individuals with TCTN3-related conditions. This variant is not present in population databases (ExAC no frequency). This sequence change replaces tryptophan with arginine at codon 473 of the TCTN3 protein (p.Trp473Arg). The tryptophan residue is highly conserved and there is a moderate physicochemical difference between tryptophan and arginine.